The following is an entry in ClinVar:

NM_000780.4(CYP7A1):c.1348G>A (p.Ala450Thr)

Gene: CYP7A1 (cytochrome P450 family 7 subfamily A member 1; minus strand). Cytogenetic location: 8q12.1.
Variant type: single nucleotide variant.
Coding change: c.1348G>A on transcript NM_000780.4 (MANE Select); coding-DNA position 1348, G replaced by A.
Protein change: p.Ala450Thr; replaces alanine 450 with threonine.
Molecular consequence: missense variant.
Genome position (GRCh38, 1-based): chr8:58,491,642, C>T on the plus strand (G>A on the coding strand, the complement: CYP7A1 is on the minus strand). VCF-style: chr8-58491642-C-T. GRCh37 (hg19) VCF-style: chr8-59404201-C-T.
Other names: short protein forms A450T.
Identifiers: ClinVar variation 2988261 (VCV002988261.3), dbSNP rs770873945, ClinGen allele CA4756560.
Genomic context (GRCh38, chr8:58,491,642, plus strand): 5'-TAAGCTCCAATTCAAAATAAGAAAGCATCAGAATCAAAAATTGCTTGATTTCGTGGATAG[C>T]GAACAATCTTCCAGGACATATTGTAGCTCCCGATCCAAAGGGCATGTAGTAATACTTTAA-3'
Protein context (NP_000771.2, residues 440-460): GATICPGRLF[Ala450Thr]IHEIKQFLIL

ClinVar aggregate classification (germline): Uncertain significance (1 of 4 stars; one submission).

Allele frequency attached by ClinVar (database versions not stated): gnomAD exomes 0.00001; TOPMed 0.00001; gnomAD 0.00003.

Submission:

Labcorp Genetics (formerly Invitae), Labcorp
Classification: Uncertain significance. Last evaluated: 2023-03-13. Review status: criteria provided, single submitter. Criteria: Invitae Variant Classification Sherloc (09022015). Collection method: clinical testing. Allele origin: germline.
Comment: This variant has not been reported in the literature in individuals affected with CYP7A1-related conditions. This variant is present in population databases (rs770873945, gnomAD 0.003%). This sequence change replaces alanine, which is neutral and non-polar, with threonine, which is neutral and polar, at codon 450 of the CYP7A1 protein (p.Ala450Thr). Advanced modeling of protein sequence and biophysical properties (such as structural, functional, and spatial information, amino acid conservation, physicochemical variation, residue mobility, and thermodynamic stability) performed at Invitae indicates that this missense variant is expected to disrupt CYP7A1 protein function. In summary, the available evidence is currently insufficient to determine the role of this variant in disease. Therefore, it has been classified as a Variant of Uncertain Significance.